The following is an entry in ClinVar:

NM_020207.7(ERCC6L2):c.3647T>C (p.Ile1216Thr)

Gene: ERCC6L2 (ERCC excision repair 6 like 2; plus strand). Cytogenetic location: 9q22.32.
Variant type: single nucleotide variant.
Coding change: c.3647T>C on transcript NM_020207.7 (MANE Select); coding-DNA position 3647, T replaced by C.
Protein change: p.Ile1216Thr; replaces isoleucine 1216 with threonine.
Molecular consequence: missense variant. On other transcripts: non-coding transcript variant (1).
Genome position (GRCh38, 1-based): chr9:96,004,674, T>C. VCF-style: chr9-96004674-T-C. GRCh37 (hg19) VCF-style: chr9-98766956-T-C.
Other names: c.3647T>C, p.Ile1216Thr (NM_001375291.1, NM_001375292.1); short protein forms I1216T.
Identifiers: ClinVar variation 1922482 (VCV001922482.5), dbSNP rs972407427, ClinGen allele CA196586895.

ClinVar aggregate classification (germline): Uncertain significance (1 of 4 stars; one submission).

Allele frequency attached by ClinVar (database versions not stated): gnomAD exomes 0.00001.
gnomAD v4.1: 6 of 1,343,606 alleles (0.00045%); highest among the groups gnomAD compares: Admixed American, 0.002%; no homozygotes.

Submission:

Labcorp Genetics (formerly Invitae), Labcorp
Classification: Uncertain significance. Last evaluated: 2022-08-16. Review status: criteria provided, single submitter. Criteria: Invitae Variant Classification Sherloc (09022015). Collection method: clinical testing. Allele origin: germline.
Comment: In summary, the available evidence is currently insufficient to determine the role of this variant in disease. Therefore, it has been classified as a Variant of Uncertain Significance. Algorithms developed to predict the effect of missense changes on protein structure and function are either unavailable or do not agree on the potential impact of this missense change (SIFT: "Deleterious"; PolyPhen-2: "Not Available"; Align-GVGD: "Class C0"). This variant has not been reported in the literature in individuals affected with ERCC6L2-related conditions. The frequency data for this variant in the population databases is considered unreliable, as metrics indicate poor data quality at this position in the gnomAD database. This sequence change replaces isoleucine, which is neutral and non-polar, with threonine, which is neutral and polar, at codon 1227 of the ERCC6L2 protein (p.Ile1227Thr).